The following is an entry in ClinVar:

NM_177438.3(DICER1):c.4699C>G (p.Leu1567Val)

Gene: DICER1 (dicer 1, ribonuclease III; minus strand). Cytogenetic location: 14q32.13.
Variant type: single nucleotide variant.
Coding change: c.4699C>G on transcript NM_177438.3 (MANE Select); coding-DNA position 4699, C replaced by G.
Protein change: p.Leu1567Val; replaces leucine 1567 with valine.
Molecular consequence: missense variant. On other transcripts: non-coding transcript variant (6).
Genome position (GRCh38, 1-based): chr14:95,096,221, G>C on the plus strand (C>G on the coding strand, the complement: DICER1 is on the minus strand). VCF-style: chr14-95096221-G-C. GRCh37 (hg19) VCF-style: chr14-95562558-G-C.
Other names: c.4699C>G, p.Leu1567Val (NM_001195573.1, NM_001271282.3, NM_001291628.2 and 13 more transcripts); c.4417C>G, p.Leu1473Val (NM_001395686.1); c.4294C>G, p.Leu1432Val (NM_001395687.1, NM_001395688.1, NM_001395689.1 and 2 more transcripts); c.4132C>G, p.Leu1378Val (NM_001395691.1); c.3016C>G, p.Leu1006Val (NM_001395697.1); short protein forms L1473V, L1432V, L1567V, L1006V, L1378V.
Identifiers: ClinVar variation 1742507 (VCV001742507.2), dbSNP rs2139845305, ClinGen allele CA390867495.

ClinVar aggregate classification (germline): Uncertain significance (1 of 4 stars; one submission).

Conditions:
Hereditary cancer-predisposing syndrome. Also called: Hereditary Cancer Syndrome; Hereditary neoplastic syndrome; Neoplastic Syndromes, Hereditary; Tumor predisposition. Identifiers: Orphanet 140162, MedGen C0027672, MeSH D009386, MONDO:0015356.

Submission:

Ambry Genetics
Classification: Uncertain significance for Hereditary cancer-predisposing syndrome. Last evaluated: 2024-02-13. Review status: criteria provided, single submitter. Criteria: Ambry Variant Classification Scheme 2023. Collection method: clinical testing. Allele origin: germline.
Comment: The p.L1567V variant (also known as c.4699C>G), located in coding exon 22 of the DICER1 gene, results from a C to G substitution at nucleotide position 4699. The leucine at codon 1567 is replaced by valine, an amino acid with highly similar properties. This amino acid position is highly conserved in available vertebrate species. In addition, the in silico prediction for this alteration is inconclusive. Based on the available evidence, the clinical significance of this alteration remains unclear.